The following is an entry in ClinVar:

NM_025219.3(DNAJC5):c.347T>G (p.Leu116Arg)

Gene: DNAJC5 (DnaJ heat shock protein family (Hsp40) member C5; plus strand). Cytogenetic location: 20q13.33.
Variant type: single nucleotide variant.
Coding change: c.347T>G on transcript NM_025219.3 (MANE Select); coding-DNA position 347, T replaced by G.
Protein change: p.Leu116Arg; replaces leucine 116 with arginine.
Molecular consequence: missense variant.
Genome position (GRCh38, 1-based): chr20:63,930,876, T>G. VCF-style: chr20-63930876-T-G. GRCh37 (hg19) VCF-style: chr20-62562229-T-G.
Other names: short protein forms L116R.
Identifiers: ClinVar variation 1178346 (VCV001178346.2), dbSNP rs2146308296, ClinGen allele CA409718489.

ClinVar aggregate classification (germline): Pathogenic (1 of 4 stars; one submission).

Conditions:
Ceroid lipofuscinosis, neuronal, 4 (Kufs type) (CLN4). Also called: Neuronal ceroid lipofuscinosis 4B; Ceroid lipofuscinosis, neuronal, 4, Parry type. Identifiers: Orphanet 228343, Orphanet 79262, MedGen C1834207, MONDO:0008083, OMIM 162350.

Submission:

Kosik Lab, Neuroscience Research Institute, University of California Santa Barbara
Classification: Pathogenic for Ceroid lipofuscinosis, neuronal, 4 (Kufs type). Last evaluated: 2021-06-01. Review status: criteria provided, single submitter. Criteria: ACMG Guidelines, 2015. Collection method: case-control. Allele origin: inherited. Inheritance: Autosomal dominant inheritance. Affected: yes. Observed: 3 variant alleles. Study: TANGL.
Comment: Variant segregates with the illness in the family where it was identified. ACMG criteria classifies the variant as Pathogenic (PS3, PS4, PP1-S, PM1, PM2, PM5, PP1-M, PP1, PP2, PP3, PP4)

Literature cited by the submitters: PubMed 22978711.